The following is an entry in ClinVar:

GRCh38/hg38 3q28-29(chr3:189265371-198110178)x3

Genes: LRCH3 (leucine rich repeats and calponin homology domain containing 3; plus strand), LRRC15 (leucine rich repeat containing 15; minus strand), LSG1 (large 60S subunit nuclear export GTPase 1; minus strand), MB21D2 (Mab-21 domain containing 2; minus strand), MELTF (melanotransferrin; minus strand) and 409 more. Cytogenetic location: 3q28-29.
Variant type: copy number gain.
Change: copy number 3 (three copies instead of two) of chr3:189,265,371-198,110,178 (8.84 Mb, GRCh38 coordinates, 1-based), cytogenetic band 3q28-29.
Identifiers: ClinVar variation 57997 (VCV000057997.1).

ClinVar aggregate classification (germline): Pathogenic (1 of 4 stars; one submission).

Submission:

ISCA site 14
Classification: Pathogenic. Last evaluated: 2011-08-12. Review status: criteria provided, single submitter. Criteria: Kaminsky et al. (Genet Med. 2011). Collection method: clinical testing. Allele origin: unknown. Affected: yes. Observed: 1 variant allele.
Comment: Copy number variation identified through the course of routine clinical cytogenomic testing in postnatal populations. Clinical assertions have been curated as described in Kaminsky et al. 2011.